The following is an entry in ClinVar:

ClinVar aggregate classification (germline): Uncertain significance. Review status: criteria provided, multiple submitters, no conflicts (2 of 4 stars). 2 submissions from 2 submitters: Uncertain significance (2). Last evaluated 2025-03-10.

Conditions:
EP300-related disorder. Also called: EP300-related condition; EP300-related disorders.
Rubinstein-Taybi syndrome due to EP300 haploinsufficiency. Also called: EP300-Related Rubinstein-Taybi Syndrome; RUBINSTEIN-TAYBI SYNDROME 2. Identifiers: Orphanet 353284, Orphanet 783, MedGen C3150941, MONDO:0013364, OMIM 613684.

gnomAD v4.1: 18 of 1,614,188 alleles (0.0011%); highest among the groups gnomAD compares: Non-Finnish European, 0.0015%; no homozygotes.

Submissions (2):

Labcorp Genetics (formerly Invitae), Labcorp
Classification: Uncertain significance for Rubinstein-Taybi syndrome due to EP300 haploinsufficiency. Last evaluated: 2025-03-10. Review status: criteria provided, single submitter. Criteria: Invitae Variant Classification Sherloc (09022015). Collection method: clinical testing. Allele origin: germline.
Comment: This sequence change replaces glutamine, which is neutral and polar, with glutamic acid, which is acidic and polar, at codon 2052 of the EP300 protein (p.Gln2052Glu). This variant is not present in population databases (gnomAD no frequency). This variant has not been reported in the literature in individuals affected with EP300-related conditions. Invitae Evidence Modeling of protein sequence and biophysical properties (such as structural, functional, and spatial information, amino acid conservation, physicochemical variation, residue mobility, and thermodynamic stability) indicates that this missense variant is not expected to disrupt EP300 protein function with a negative predictive value of 80%. In summary, the available evidence is currently insufficient to determine the role of this variant in disease. Therefore, it has been classified as a Variant of Uncertain Significance.

PreventionGenetics, part of Exact Sciences
Classification: Uncertain significance for EP300-related condition. Last evaluated: 2025-01-21. Review status: criteria provided, single submitter. Criteria: ACMG Guidelines, 2015. Collection method: clinical testing. Allele origin: germline.
Comment: The EP300 c.6154C>G variant is predicted to result in the amino acid substitution p.Gln2052Glu. To our knowledge, this variant has not been reported in the literature or in a large population database (gnomAD), indicating this variant is rare. At this time, the clinical significance of this variant is uncertain due to the absence of conclusive functional and genetic evidence.

NM_001429.4(EP300):c.6154C>G (p.Gln2052Glu)

Gene: EP300 (EP300 lysine acetyltransferase; plus strand). Cytogenetic location: 22q13.2.
Variant type: single nucleotide variant.
Coding change: c.6154C>G on transcript NM_001429.4 (MANE Select); coding-DNA position 6154, C replaced by G.
Protein change: p.Gln2052Glu; replaces glutamine 2052 with glutamic acid.
Molecular consequence: missense variant.
Genome position (GRCh38, 1-based): chr22:41,177,865, C>G. VCF-style: chr22-41177865-C-G. GRCh37 (hg19) VCF-style: chr22-41573869-C-G.
Other names: c.6154C>G (NM_001429.3); c.6076C>G, p.Gln2026Glu (NM_001362843.2); short protein forms Q2026E, Q2052E.
Identifiers: ClinVar variation 4743745 (VCV004743745.2).